The following is an entry in ClinVar:

NM_201384.3(PLEC):c.7236G>T (p.Glu2412Asp)

Gene: PLEC (plectin; minus strand). Cytogenetic location: 8q24.3.
Variant type: single nucleotide variant.
Coding change: c.7236G>T on transcript NM_201384.3 (MANE Select); coding-DNA position 7236, G replaced by T.
Protein change: p.Glu2412Asp; replaces glutamic acid 2412 with aspartic acid.
Molecular consequence: missense variant.
Genome position (GRCh38, 1-based): chr8:143,922,693, C>A on the plus strand (G>T on the coding strand, the complement: PLEC is on the minus strand). VCF-style: chr8-143922693-C-A. GRCh37 (hg19) VCF-style: chr8-144996861-C-A.
Other names: c.7317G>T, p.Glu2439Asp (NM_000445.5); c.7194G>T, p.Glu2398Asp (NM_201378.4); c.7170G>T, p.Glu2390Asp (NM_201379.3); c.7647G>T, p.Glu2549Asp (NM_201380.4); c.7140G>T, p.Glu2380Asp (NM_201381.3); c.7236G>T, p.Glu2412Asp (NM_201382.4); c.7248G>T, p.Glu2416Asp (NM_201383.3); short protein forms E2412D, E2439D, E2416D, E2380D, E2390D, E2398D, E2549D.
Identifiers: ClinVar variation 593547 (VCV000593547.12), dbSNP rs781890455, ClinGen allele CA4925717.

ClinVar aggregate classification (germline): Uncertain significance. Review status: criteria provided, multiple submitters, no conflicts (2 of 4 stars). 2 submissions from 2 submitters: Uncertain significance (2). Last evaluated 2024-07-06.

Conditions:
Epidermolysis bullosa simplex 5B, with muscular dystrophy (EBS5B). Also called: Epidermolysis bullosa simplex with muscular dystrophy; EPIDERMOLYSIS BULLOSA SIMPLEX AND LIMB-GIRDLE MUSCULAR DYSTROPHY. Identifiers: Orphanet 257, MedGen C2931072, MONDO:0009181, OMIM 226670.
Epidermolysis bullosa simplex, Ogna type (EBS5A). Also called: Pidermolysis bullosa simplex 5A, Ogna type; EPIDERMOLYSIS BULLOSA SIMPLEX 5A, OGNA TYPE. Identifiers: Orphanet 79401, MedGen C0432317, MONDO:0007555, OMIM 131950.
Epidermolysis bullosa simplex with nail dystrophy (EBS5D). Identifiers: MedGen C4225309, MONDO:0014661, OMIM 616487.
Autosomal recessive limb-girdle muscular dystrophy type 2Q (LGMDR17). Also called: MUSCULAR DYSTROPHY, LIMB-GIRDLE, AUTOSOMAL RECESSIVE 17. Identifiers: Orphanet 254361, MedGen C3150989, MONDO:0013390, OMIM 613723.
Epidermolysis bullosa simplex 5C, with pyloric atresia (EBS5C). Also called: PLEC-Related Epidermolysis Bullosa with Pyloric Atresia; Epidermolysis bullosa simplex with pyloric atresia; PLEC1-Related Epidermolysis Bullosa with Pyloric Atresia. Identifiers: Orphanet 158684, MedGen C2677349, MONDO:0012807, OMIM 612138.

Allele frequency attached by ClinVar (database versions not stated): gnomAD exomes 0.00002; ExAC 0.00001; gnomAD 0.00001.
gnomAD v4.1: 5 of 1,612,818 alleles (0.00031%); highest among the groups gnomAD compares: Admixed American, 0.0067%; no homozygotes.

Submissions (2):

Labcorp Genetics (formerly Invitae), Labcorp
Classification: Uncertain significance for Autosomal recessive limb-girdle muscular dystrophy type 2Q; Epidermolysis bullosa simplex, Ogna type; Epidermolysis bullosa simplex with nail dystrophy; Epidermolysis bullosa simplex 5C, with pyloric atresia; Epidermolysis bullosa simplex 5B, with muscular dystrophy. Last evaluated: 2024-07-06. Review status: criteria provided, single submitter. Criteria: Invitae Variant Classification Sherloc (09022015). Collection method: clinical testing. Allele origin: germline.
Comment: This sequence change replaces glutamic acid, which is acidic and polar, with aspartic acid, which is acidic and polar, at codon 2439 of the PLEC protein (p.Glu2439Asp). This variant is present in population databases (rs781890455, gnomAD 0.01%). This variant has not been reported in the literature in individuals affected with PLEC-related conditions. ClinVar contains an entry for this variant (Variation ID: 593547). An algorithm developed to predict the effect of missense changes on protein structure and function (PolyPhen-2) suggests that this variant is likely to be tolerated. In summary, the available evidence is currently insufficient to determine the role of this variant in disease. Therefore, it has been classified as a Variant of Uncertain Significance.

Eurofins Ntd Llc (ga)
Classification: Uncertain significance. Last evaluated: 2017-08-07. Review status: criteria provided, single submitter. Criteria: EGL Classification Definitions 2015. Collection method: clinical testing. Allele origin: germline. Observed: 1 variant allele, 1 heterozygote.